The following is an entry in ClinVar:

ClinVar aggregate classification (germline): Benign/Likely benign. Review status: criteria provided, multiple submitters, no conflicts (2 of 4 stars). 3 submissions from 3 submitters: Benign (1); Likely benign (2). Last evaluated 2026-01-17.

Conditions:
Hereditary cancer-predisposing syndrome. Also called: Hereditary Cancer Syndrome; Neoplastic Syndromes, Hereditary; Tumor predisposition; Hereditary neoplastic syndrome. Identifiers: Orphanet 140162, MedGen C0027672, MeSH D009386, MONDO:0015356.
Hereditary diffuse gastric adenocarcinoma (HDGC). Also called: DIFFUSE GASTRIC AND LOBULAR BREAST CANCER SYNDROME. Identifiers: Orphanet 26106, MedGen C1708349, MONDO:0007648, OMIM 137215.

Allele frequency attached by ClinVar (database versions not stated): gnomAD exomes below 0.00001; ExAC 0.00001; gnomAD 0.00001; TOPMed 0.00003.
gnomAD v4.1: 3 of 1,614,074 alleles (0.00019%); highest among the groups gnomAD compares: African/African-American, 0.004%; no homozygotes.

Submissions (3):

Labcorp Genetics (formerly Invitae), Labcorp
Classification: Likely benign for Hereditary diffuse gastric adenocarcinoma. Last evaluated: 2026-01-17. Review status: criteria provided, single submitter. Criteria: Invitae Variant Classification Sherloc (09022015). Collection method: clinical testing. Allele origin: germline.

Myriad Genetics, Inc.
Classification: Benign for Hereditary diffuse gastric adenocarcinoma. Last evaluated: 2024-09-18. Review status: criteria provided, single submitter. Criteria: Myriad Autosomal Dominant, Autosomal Recessive and X-Linked Classification Criteria (2023). Collection method: clinical testing. Allele origin: unknown.
Comment: This variant is considered benign. This variant is a silent/synonymous amino acid change and it is not expected to impact splicing.

Ambry Genetics
Classification: Likely benign for Hereditary cancer-predisposing syndrome. Last evaluated: 2017-10-03. Review status: criteria provided, single submitter. Criteria: Ambry Variant Classification Scheme 2023. Collection method: clinical testing. Allele origin: germline.

NM_004360.5(CDH1):c.1323C>A (p.Gly441=)

Gene: CDH1 (cadherin 1; plus strand). Cytogenetic location: 16q22.1.
Variant type: single nucleotide variant.
Coding change: c.1323C>A on transcript NM_004360.5 (MANE Select); coding-DNA position 1323, C replaced by A.
Protein change: p.Gly441=; no amino-acid change (glycine 441 retained).
Molecular consequence: synonymous variant. On other transcripts: 5 prime UTR variant (2).
Genome position (GRCh38, 1-based): chr16:68,815,517, C>A. VCF-style: chr16-68815517-C-A. GRCh37 (hg19) VCF-style: chr16-68849420-C-A.
Other names: c.1323C>A (LRG_301t1); c.1140C>A, p.Gly380= (NM_001317184.2); c.-226C>A (NM_001317185.2); c.-497C>A (NM_001317186.2).
Identifiers: ClinVar variation 186160 (VCV000186160.17), dbSNP rs763647680, ClinGen allele CA194023.